The following is an entry in ClinVar:

ClinVar aggregate classification (germline): Pathogenic (1 of 4 stars; one submission).

Conditions:
Pseudo-Hurler polydystrophy. Also called: MUCOLIPIDOSIS IIIA; ML III; ML III ALPHA/BETA; Type III Mucolipidosis; ML IIIA; Mucolipidosis III Alpha/Beta. Identifiers: Orphanet 423461, Orphanet 577, MedGen C0033788, MONDO:0018931, OMIM 252600.
Mucolipidosis type II. Also called: Mucolipidosis II Alpha/Beta; ML II ALPHA/BETA; Mucolipidosis 2; ML 2; Inclusion cell disease; Leroy Disease. Identifiers: Orphanet 576, MedGen C2673377, MONDO:0009650, OMIM 252500.

Submission:

Labcorp Genetics (formerly Invitae), Labcorp
Classification: Pathogenic for Pseudo-Hurler polydystrophy; Mucolipidosis type II. Last evaluated: 2022-05-28. Review status: criteria provided, single submitter. Criteria: Invitae Variant Classification Sherloc (09022015). Collection method: clinical testing. Allele origin: germline.
Comment: This variant has not been reported in the literature in individuals affected with GNPTAB-related conditions. For these reasons, this variant has been classified as Pathogenic. This variant is not present in population databases (gnomAD no frequency). This sequence change creates a premature translational stop signal (p.Leu243Glnfs*24) in the GNPTAB gene. It is expected to result in an absent or disrupted protein product. Loss-of-function variants in GNPTAB are known to be pathogenic (PMID: 19617216, 25107912).

Literature cited by the submitters: PubMed 19617216; PubMed 25107912.

NM_024312.5(GNPTAB):c.728del (p.Leu243fs)

Gene: GNPTAB (N-acetylglucosamine-1-phosphate transferase subunits alpha and beta; minus strand). Cytogenetic location: 12q23.2.
Variant type: Deletion.
Coding change: c.728del on transcript NM_024312.5 (MANE Select); coding-DNA position 728, one base deleted (T; older notation c.728delT).
Protein change: p.Leu243fs; shifts the reading frame from leucine 243.
Molecular consequence: frameshift variant.
Genome position (GRCh38, 1-based): chr12:101,780,195, A deleted on the plus strand (T on the coding strand, the reverse complement: GNPTAB is on the minus strand). VCF-style (leftmost placement, unchanged base first): chr12-101780194-TA-T. GRCh37 (hg19) VCF-style: chr12-102173972-TA-T.
Other names: short protein forms L243fs.
Identifiers: ClinVar variation 1999797 (VCV001999797.4), dbSNP rs2547967554, ClinGen allele CA2580085625.